The following is an entry in ClinVar:

NM_000439.5(PCSK1):c.1671C>T (p.His557=)

Genes: CAST (calpastatin; plus strand), PCSK1 (proprotein convertase subtilisin/kexin type 1; minus strand), LOC101929710 (uncharacterized LOC101929710; plus strand). Cytogenetic location: 5q15.
Variant type: single nucleotide variant.
Coding change: c.1671C>T on transcript NM_000439.5 (MANE Select); coding-DNA position 1671, C replaced by T.
Protein change: p.His557=; no amino-acid change (histidine 557 retained).
Molecular consequence: synonymous variant. On other transcripts: intron variant (11).
Genome position (GRCh38, 1-based): chr5:96,397,387, G>A on the plus strand (C>T on the coding strand, the complement: PCSK1 is on the minus strand). VCF-style: chr5-96397387-G-A. GRCh37 (hg19) VCF-style: chr5-95733091-G-A.
Other names: c.1530C>T, p.His510= (NM_001177875.2); c.-175+17735G>A (NM_001423254.1, NM_001423259.1, NM_001423255.1 and 6 more transcripts); c.-103+17735G>A (NM_001423253.1); c.-40+17735G>A (NM_001423258.1).
Identifiers: ClinVar variation 3358255 (VCV003358255.1).

ClinVar aggregate classification (germline): Likely benign (0 of 4 stars; one submission).

Conditions:
PCSK1-related disorder. Also called: PCSK1-related condition.

gnomAD v4.1: 3 of 1,610,458 alleles (0.00019%); highest among the groups gnomAD compares: Admixed American, 0.0017%; no homozygotes.

Submission:

PreventionGenetics, part of Exact Sciences
Classification: Likely benign for PCSK1-related condition. Last evaluated: 2021-01-11. Review status: no assertion criteria provided. Collection method: clinical testing. Allele origin: germline.
Comment: This variant is classified as likely benign based on ACMG/AMP sequence variant interpretation guidelines (Richards et al. 2015 PMID: 25741868, with internal and published modifications).